The following is an entry in ClinVar:

NM_177559.3(CSNK2A1):c.161T>C (p.Phe54Ser)

Gene: CSNK2A1 (casein kinase 2 alpha 1; minus strand). Cytogenetic location: 20p13.
Variant type: single nucleotide variant.
Coding change: c.161T>C on transcript NM_177559.3 (MANE Select); coding-DNA position 161, T replaced by C.
Protein change: p.Phe54Ser; replaces phenylalanine 54 with serine.
Molecular consequence: missense variant. On other transcripts: 5 prime UTR variant (1).
Genome position (GRCh38, 1-based): chr20:505,170, A>G on the plus strand (T>C on the coding strand, the complement: CSNK2A1 is on the minus strand). VCF-style: chr20-505170-A-G. GRCh37 (hg19) VCF-style: chr20-485814-A-G.
Other names: c.161T>C, p.Phe54Ser (NM_001362770.2, NM_001362771.2, NM_001895.4); c.-248T>C (NM_177560.3); short protein forms F54S.
Identifiers: ClinVar variation 2428789 (VCV002428789.4), dbSNP rs925044842, ClinGen allele CA310642479.
Genomic context (GRCh38, chr20:505,170, plus strand): 5'-GTACTCACCTTGAGAATTTTAACAACAACTTTTTCATTATTTGTGATGTTGATGGCTTCA[A>G]ATACTTCACTGTATTTACCTCGGCCTAATTTTCGAACCAGCTGGTAGTCATCTTGATTTC-3'
Protein context (NP_808227.1, residues 44-64): KLGRGKYSEV[Phe54Ser]EAINITNNEK

ClinVar aggregate classification (germline): Uncertain significance (1 of 4 stars; one submission).

Allele frequency attached by ClinVar (database versions not stated): TOPMed below 0.00001.

Submission:

GeneDx
Classification: Uncertain significance. Last evaluated: 2026-06-16. Review status: criteria provided, single submitter. Criteria: GeneDx Variant Classification Process June 2021. Collection method: clinical testing. Allele origin: germline.
Comment: Not observed at significant frequency in large population cohorts (gnomAD); In silico analysis supports that this missense variant has a deleterious effect on protein structure/function; Has not been previously published as pathogenic or benign to our knowledge